The following is an entry in ClinVar:

NM_007294.4(BRCA1):c.4693G>A (p.Glu1565Lys)

Gene: BRCA1 (BRCA1 DNA repair associated; minus strand). Cytogenetic location: 17q21.31.
Variant type: single nucleotide variant.
Coding change: c.4693G>A on transcript NM_007294.4 (MANE Select); coding-DNA position 4693, G replaced by A.
Protein change: p.Glu1565Lys; replaces glutamic acid 1565 with lysine.
Molecular consequence: missense variant. On other transcripts: non-coding transcript variant (1).
Genome position (GRCh38, 1-based): chr17:43,071,221, C>T on the plus strand (G>A on the coding strand, the complement: BRCA1 is on the minus strand). VCF-style: chr17-43071221-C-T. GRCh37 (hg19) VCF-style: chr17-41223238-C-T.
Other names: c.4552G>A, p.Glu1518Lys (NM_001407698.1, NM_001407724.1, NM_001407726.1 and 13 more transcripts); c.1450G>A, p.Glu484Lys (NM_001407971.1, NM_001407970.1); c.1384G>A, p.Glu462Lys (NM_001407973.1, NM_001407974.1, NM_001407975.1 and 3 more transcripts); c.1447G>A, p.Glu483Lys (NM_001407972.1); c.1240G>A, p.Glu414Lys (NM_001408459.1, NM_001408460.1, NM_001408461.1 and 7 more transcripts); c.1237G>A, p.Glu413Lys (NM_001408468.1, NM_001408469.1, NM_001408470.1); c.1381G>A, p.Glu461Lys (NM_001408472.1, NM_007298.4, NM_007299.4 and 13 more transcripts); c.1378G>A, p.Glu460Lys (NM_001408473.1, NM_001408392.1, NM_001408396.1 and 8 more transcripts); and 70 more; short protein forms E1565K, E1518K, E1586K, E461K, E1396K, E1436K, E1452K, E1516K.
Identifiers: ClinVar variation 216670 (VCV000216670.19), dbSNP rs863224762, ClinGen allele CA338907.
Genomic context (GRCh38, chr17:43,071,221, plus strand): 5'-GGGCTCTGTCTTCAGAAGGATCAGATTCAGGGTCATCAGAGAAGAGGCTGATTCCAGATT[C>T]CAGGTAAGGGGTTCCCTCTGAAAGGAATGGGAGAAGTTTAATTTACACAACGATGAATGT-3'
Protein context (NP_009225.1, residues 1555-1575): RQDLEGTPYL[Glu1565Lys]SGISLFSDDP

ClinVar aggregate classification (germline): Uncertain significance. Review status: criteria provided, multiple submitters, no conflicts (2 of 4 stars). 4 submissions from 4 submitters: Uncertain significance (4). Last evaluated 2025-10-28.

Conditions:
Hereditary cancer-predisposing syndrome. Also called: Hereditary Cancer Syndrome; Hereditary neoplastic syndrome; Neoplastic Syndromes, Hereditary; Tumor predisposition. Identifiers: Orphanet 140162, MedGen C0027672, MeSH D009386, MONDO:0015356.
Hereditary breast ovarian cancer syndrome. Also called: Hereditary breast and/or ovarian cancer syndrome; Breast and ovarian cancer; BRCA1- and BRCA2-Associated Hereditary Breast and Ovarian Cancer; Hereditary breast and ovarian cancer syndrome; Hereditary breast and ovarian cancer syndrome (HBOC); Hereditary breast and ovarian cancer. Identifiers: Orphanet 145, MedGen C0677776, MeSH D061325, MONDO:0003582. Disease mechanism: loss of function.

Submissions (4):

Color Diagnostics, LLC DBA Color Health
Classification: Uncertain significance for Hereditary cancer-predisposing syndrome. Last evaluated: 2025-10-28. Review status: criteria provided, single submitter. Criteria: ACMG Guidelines, 2015. Collection method: clinical testing. Allele origin: germline.
Comment: This missense variant replaces glutamic acid with lysine at codon 1565 of the BRCA1 protein. Computational prediction is inconclusive regarding the impact of this variant on protein structure and function. To our knowledge, functional studies have not been reported for this variant. This variant has not been reported in individuals affected with BRCA1-related disorders in the literature. This variant has not been identified in the general population by the Genome Aggregation Database (gnomAD). The available evidence is insufficient to determine the role of this variant in disease conclusively. Therefore, this variant is classified as a Variant of Uncertain Significance.

Labcorp Genetics (formerly Invitae), Labcorp
Classification: Uncertain significance for Hereditary breast ovarian cancer syndrome. Last evaluated: 2025-09-13. Review status: criteria provided, single submitter. Criteria: Invitae Variant Classification Sherloc (09022015). Collection method: clinical testing. Allele origin: germline.
Comment: This sequence change replaces glutamic acid, which is acidic and polar, with lysine, which is basic and polar, at codon 1565 of the BRCA1 protein (p.Glu1565Lys). This variant is not present in population databases (gnomAD no frequency). This variant has not been reported in the literature in individuals affected with BRCA1-related conditions. ClinVar contains an entry for this variant (Variation ID: 216670). Invitae Evidence Modeling of protein sequence and biophysical properties (such as structural, functional, and spatial information, amino acid conservation, physicochemical variation, residue mobility, and thermodynamic stability) indicates that this missense variant is not expected to disrupt BRCA1 protein function with a negative predictive value of 95%. In summary, the available evidence is currently insufficient to determine the role of this variant in disease. Therefore, it has been classified as a Variant of Uncertain Significance.

Ambry Genetics
Classification: Uncertain significance for Hereditary cancer-predisposing syndrome. Last evaluated: 2025-06-19. Review status: criteria provided, single submitter. Criteria: Ambry Variant Classification Scheme 2023. Collection method: clinical testing. Allele origin: germline.
Comment: The p.E1565K variant (also known as c.4693G>A), located in coding exon 14 of the BRCA1 gene, results from a G to A substitution at nucleotide position 4693. The glutamic acid at codon 1565 is replaced by lysine, an amino acid with similar properties. This amino acid position is not well conserved in available vertebrate species. In addition, the in silico prediction for this alteration is inconclusive. Since supporting evidence is limited at this time, the clinical significance of this alteration remains unclear.

Women's Health and Genetics/Laboratory Corporation of America, LabCorp
Classification: Uncertain significance. Last evaluated: 2022-05-05. Review status: criteria provided, single submitter. Criteria: LabCorp Variant Classification Summary - May 2015. Collection method: clinical testing. Allele origin: germline.